The following is an entry in ClinVar:

ClinVar aggregate classification (germline): Uncertain significance (1 of 4 stars; one submission).

gnomAD v4.1: 1 of 1,614,028 alleles (0.000062%); highest among the groups gnomAD compares: African/African-American, 0.0013%; no homozygotes.

Submission:

Labcorp Genetics (formerly Invitae), Labcorp
Classification: Uncertain significance. Last evaluated: 2024-05-23. Review status: criteria provided, single submitter. Criteria: Invitae Variant Classification Sherloc (09022015). Collection method: clinical testing. Allele origin: germline.
Comment: This sequence change replaces glycine, which is neutral and non-polar, with aspartic acid, which is acidic and polar, at codon 347 of the TEAD1 protein (p.Gly347Asp). This variant is present in population databases (no rsID available, gnomAD 0.007%). This variant has not been reported in the literature in individuals affected with TEAD1-related conditions. Advanced modeling of protein sequence and biophysical properties (such as structural, functional, and spatial information, amino acid conservation, physicochemical variation, residue mobility, and thermodynamic stability) performed at Invitae indicates that this missense variant is not expected to disrupt TEAD1 protein function with a negative predictive value of 80%. In summary, the available evidence is currently insufficient to determine the role of this variant in disease. Therefore, it has been classified as a Variant of Uncertain Significance.

NM_021961.6(TEAD1):c.1040G>A (p.Gly347Asp)

Gene: TEAD1 (TEA domain transcription factor 1; plus strand). Cytogenetic location: 11p15.3.
Variant type: single nucleotide variant.
Coding change: c.1040G>A on transcript NM_021961.6 (MANE Select); coding-DNA position 1040, G replaced by A.
Protein change: p.Gly347Asp; replaces glycine 347 with aspartic acid.
Molecular consequence: missense variant.
Genome position (GRCh38, 1-based): chr11:12,930,199, G>A. VCF-style: chr11-12930199-G-A. GRCh37 (hg19) VCF-style: chr11-12951746-G-A.
Other names: short protein forms G347D.
Identifiers: ClinVar variation 3687643 (VCV003687643.2).